The following is an entry in ClinVar:

NM_006245.4(PPP2R5D):c.1708C>T (p.Arg570Trp)

Genes: MEA1 (male-enhanced antigen 1; minus strand), PPP2R5D (protein phosphatase 2 regulatory subunit B'delta; plus strand). Cytogenetic location: 6p21.1.
Variant type: single nucleotide variant.
Coding change: c.1708C>T on transcript NM_006245.4 (MANE Select); coding-DNA position 1708, C replaced by T.
Protein change: p.Arg570Trp; replaces arginine 570 with tryptophan.
Molecular consequence: missense variant. On other transcripts: 3 prime UTR variant (1).
Genome position (GRCh38, 1-based): chr6:43,011,185, C>T. VCF-style: chr6-43011185-C-T. GRCh37 (hg19) VCF-style: chr6-42978923-C-T.
Other names: c.*1285G>A (NM_014623.4); c.1255C>T, p.Arg419Trp (NM_001270476.2); c.1612C>T, p.Arg538Trp (NM_180976.3); c.1390C>T, p.Arg464Trp (NM_180977.3); short protein forms R419W, R464W, R570W, R538W.
Identifiers: ClinVar variation 2858005 (VCV002858005.3), dbSNP rs374855545, ClinGen allele CA3812152.
Genomic context (GRCh38, chr6:43,011,185, plus strand): 5'-CACCTTGTCCCTATTCACACACAGATGCTAAAAGACATCAAGAAGGAGAAAGTGCTGCTG[C>T]GGAGGAAGTCGGAGCTGCCCCAGGACGTGTACACCATCAAGGCACTGGAGGCGCACAAGC-3'
Protein context (NP_006236.1, residues 560-580): KDIKKEKVLL[Arg570Trp]RKSELPQDVY

ClinVar aggregate classification (germline): Uncertain significance (1 of 4 stars; one submission).

Allele frequency attached by ClinVar (database versions not stated): gnomAD 0.00001; gnomAD exomes 0.00001; TOPMed 0.00001; ExAC 0.00003; ESP Exome Variant Server 0.00008.
gnomAD v4.1: 14 of 1,613,964 alleles (0.00087%); highest among the groups gnomAD compares: African/African-American, 0.0027%; no homozygotes.

Submission:

Labcorp Genetics (formerly Invitae), Labcorp
Classification: Uncertain significance. Last evaluated: 2023-11-27. Review status: criteria provided, single submitter. Criteria: Invitae Variant Classification Sherloc (09022015). Collection method: clinical testing. Allele origin: germline.
Comment: This sequence change replaces arginine, which is basic and polar, with tryptophan, which is neutral and slightly polar, at codon 570 of the PPP2R5D protein (p.Arg570Trp). This variant is present in population databases (rs374855545, gnomAD 0.007%). This missense change has been observed in individual(s) with neurodevelopmental disorder (PMID: 28191889). An algorithm developed to predict the effect of missense changes on protein structure and function (PolyPhen-2) suggests that this variant is likely to be disruptive. In summary, the available evidence is currently insufficient to determine the role of this variant in disease. Therefore, it has been classified as a Variant of Uncertain Significance.

Literature cited by the submitters: PubMed 28191889.